The following is an entry in ClinVar:

NM_006164.5(NFE2L2):c.312+11C>T

Gene: NFE2L2 (NFE2 like bZIP transcription factor 2; minus strand). Cytogenetic location: 2q31.2.
Variant type: single nucleotide variant.
Coding change: c.312+11C>T on transcript NM_006164.5 (MANE Select); 11 bases into the intron after coding-DNA position 312, C replaced by T.
Molecular consequence: intron variant.
Genome position (GRCh38, 1-based): chr2:177,233,994, G>A on the plus strand (C>T on the coding strand, the complement: NFE2L2 is on the minus strand). VCF-style: chr2-177233994-G-A. GRCh37 (hg19) VCF-style: chr2-178098722-G-A.
Other names: c.264+11C>T (NM_001313900.1, NM_001313901.1, NM_001145413.3 and 1 more transcripts); c.12+82C>T (NM_001313904.1); c.93+230C>T (NM_001313903.2); c.312+11C>T (NM_001313902.2).
Identifiers: ClinVar variation 135573 (VCV000135573.10), dbSNP rs114377436, ClinGen allele CA163022.

ClinVar aggregate classification (germline): Benign. Review status: criteria provided, single submitter (1 of 4 stars). 2 submissions from 2 submitters: Benign (1). 1 of the submissions does not count toward it. Last evaluated 2026-01-26.

Allele frequency attached by ClinVar (database versions not stated): gnomAD exomes 0.00050 and 0.00141; gnomAD 0.00594 and 0.00563; TOPMed 0.00623; 1000 Genomes Project 0.00839; 1000 Genomes Project 30x 0.00921; ExAC 0.00175; ESP Exome Variant Server 0.00502.

Submissions (2):

Labcorp Genetics (formerly Invitae), Labcorp
Classification: Benign. Last evaluated: 2026-01-26. Review status: criteria provided, single submitter. Criteria: Invitae Variant Classification Sherloc (09022015). Collection method: clinical testing. Allele origin: germline.

ITMI
No classification provided. Condition: AllHighlyPenetrant. Last evaluated: 2013-09-19. Review status: no classification provided. Collection method: reference population. Allele origin: germline. Not counted in ClinVar's aggregate classification.
Comment: Please see associated publication for description of ethnicities

Literature cited by the submitters: PubMed 24728327 (cited by ITMI).